The following is an entry in ClinVar:

ClinVar aggregate classification (germline): Conflicting classifications of pathogenicity. Review status: criteria provided, conflicting classifications (1 of 4 stars). 7 submissions from 3 submitters: Uncertain significance (1); Likely benign (6). Last evaluated 2024-02-23.

Conditions:
Hypokalemic periodic paralysis, type 2 (HOKPP2). Identifiers: Orphanet 681, MedGen C2750061, MONDO:0013234, OMIM 613345.
Hyperkalemic periodic paralysis. Also called: Familial hyperkalemic periodic paralysis; Gamstorp disease. Identifiers: Orphanet 682, MedGen C0238357, MONDO:0008224, OMIM 170500, HP:0007215.
Potassium-aggravated myotonia. Also called: MYOTONIA CONGENITA, ACETAZOLAMIDE-RESPONSIVE; MYOTONIA CONGENITA, ATYPICAL; SODIUM CHANNEL MUSCLE DISEASE; Myotonia congenita, atypical, acetazolamide-responsive. Identifiers: Orphanet 612, Orphanet 99734, Orphanet 99735, Orphanet 99736, MedGen C2931826, MONDO:0018959, OMIM 608390.
Congenital myasthenic syndrome 16. Identifiers: Orphanet 590, MedGen C3280112, MONDO:0013620, OMIM 614198.
Paramyotonia congenita of Von Eulenburg. Also called: PARALYSIS PERIODICA PARAMYOTONICA; Paramyotonia Congenita; Eulenburg disease; Myotonia congenita intermittens; Von Eulenburg paramyotonia congenita. Identifiers: Orphanet 684, MedGen C0221055, MONDO:0008195, OMIM 168300. Disease mechanism: loss of function.

Allele frequency attached by ClinVar (database versions not stated): ExAC 0.00002; TOPMed below 0.00001; gnomAD exomes 0.00002 and 0.00003.
gnomAD v4.1: 45 of 1,613,800 alleles (0.0028%); highest among the groups gnomAD compares: Middle Eastern, 0.016%; no homozygotes.

Submissions (7):

Labcorp Genetics (formerly Invitae), Labcorp
Classification: Likely benign for Hyperkalemic periodic paralysis. Last evaluated: 2024-02-23. Review status: criteria provided, single submitter. Criteria: Invitae Variant Classification Sherloc (09022015). Collection method: clinical testing. Allele origin: germline.

GeneDx
Classification: Likely benign. Last evaluated: 2018-06-20. Review status: criteria provided, single submitter. Criteria: GeneDx Variant Classification (06012015). Collection method: clinical testing. Allele origin: germline. Affected: yes.
Comment: This variant is considered likely benign or benign based on one or more of the following criteria: it is a conservative change, it occurs at a poorly conserved position in the protein, it is predicted to be benign by multiple in silico algorithms, and/or has population frequency not consistent with disease.

Illumina Laboratory Services, Illumina
Classification: Likely benign for Potassium-aggravated myotonia. Last evaluated: 2018-01-13. Review status: criteria provided, single submitter. Criteria: ICSL Variant Classification Criteria 13 December 2019. Collection method: clinical testing. Allele origin: germline.
Comment: This variant was observed in the ICSL laboratory as part of a predisposition screen in an ostensibly healthy population. It had not been previously curated by ICSL or reported in the Human Gene Mutation Database (HGMD: prior to June 1st, 2018), and was therefore a candidate for classification through an automated scoring system. Utilizing variant allele frequency, disease prevalence and penetrance estimates, and inheritance mode, an automated score was calculated to assess if this variant is too frequent to cause the disease. Based on the score and internal cut-off values, a variant classified as likely benign is not then subjected to further curation. The score for this variant resulted in a classification of likely benign for this disease.

Illumina Laboratory Services, Illumina
Classification: Likely benign for Hyperkalemic periodic paralysis. Last evaluated: 2018-01-13. Review status: criteria provided, single submitter. Criteria: ICSL Variant Classification Criteria 13 December 2019. Collection method: clinical testing. Allele origin: germline.
Comment: the same text as in the submission from Illumina Laboratory Services, Illumina above.

Illumina Laboratory Services, Illumina
Classification: Likely benign for Hypokalemic periodic paralysis, type 2. Last evaluated: 2018-01-13. Review status: criteria provided, single submitter. Criteria: ICSL Variant Classification Criteria 13 December 2019. Collection method: clinical testing. Allele origin: germline.
Comment: the same text as in the submission from Illumina Laboratory Services, Illumina above.

Illumina Laboratory Services, Illumina
Classification: Likely benign for Paramyotonia congenita of Von Eulenburg. Last evaluated: 2018-01-13. Review status: criteria provided, single submitter. Criteria: ICSL Variant Classification Criteria 13 December 2019. Collection method: clinical testing. Allele origin: germline.
Comment: the same text as in the submission from Illumina Laboratory Services, Illumina above.

Illumina Laboratory Services, Illumina
Classification: Uncertain significance for Congenital myasthenic syndrome 16. Last evaluated: 2018-01-13. Review status: criteria provided, single submitter. Criteria: ICSL Variant Classification Criteria 13 December 2019. Collection method: clinical testing. Allele origin: germline.

NM_000334.4(SCN4A):c.2778C>T (p.Ile926=)

Genes: GH-LCR (growth hormone locus control region; plus strand), SCN4A (sodium voltage-gated channel alpha subunit 4; minus strand). Cytogenetic location: 17q23.3.
Variant type: single nucleotide variant.
Coding change: c.2778C>T on transcript NM_000334.4 (MANE Select); coding-DNA position 2778, C replaced by T.
Protein change: p.Ile926=; no amino-acid change (isoleucine 926 retained).
Molecular consequence: synonymous variant.
Genome position (GRCh38, 1-based): chr17:63,951,499, G>A on the plus strand (C>T on the coding strand, the complement: SCN4A is on the minus strand). VCF-style: chr17-63951499-G-A. GRCh37 (hg19) VCF-style: chr17-62028859-G-A.
Identifiers: ClinVar variation 673965 (VCV000673965.15), dbSNP rs769634298, ClinGen allele CA8709503.